The following is an entry in ClinVar:

NM_001347721.2(DYRK1A):c.927A>G (p.Ile309Met)

Gene: DYRK1A (dual specificity tyrosine phosphorylation regulated kinase 1A; plus strand). Cytogenetic location: 21q22.13.
Variant type: single nucleotide variant.
Coding change: c.927A>G on transcript NM_001347721.2 (MANE Select); coding-DNA position 927, A replaced by G.
Protein change: p.Ile309Met; replaces isoleucine 309 with methionine.
Molecular consequence: missense variant.
Genome position (GRCh38, 1-based): chr21:37,493,019, A>G. VCF-style: chr21-37493019-A-G. GRCh37 (hg19) VCF-style: chr21-38865321-A-G.
Other names: c.927A>G, p.Ile309Met (NM_001347722.2, NM_130436.2); c.840A>G, p.Ile280Met (NM_001347723.2); c.954A>G, p.Ile318Met (NM_001396.5, NM_101395.2, NM_130438.2); short protein forms I309M, I280M, I318M.
Identifiers: ClinVar variation 4618176 (VCV004618176.1).

ClinVar aggregate classification (germline): Uncertain significance (1 of 4 stars; one submission).

Conditions:
Inborn genetic diseases. Identifiers: MedGen C0950123, MeSH D030342.

Submission:

Ambry Genetics
Classification: Uncertain significance for Inborn genetic diseases. Last evaluated: 2025-12-02. Review status: criteria provided, single submitter. Criteria: Ambry Variant Classification Scheme 2023. Collection method: clinical testing. Allele origin: germline.
Comment: The c.954A>G (p.I318M) alteration is located in exon 7 (coding exon 7) of the DYRK1A gene. This alteration results from an A to G substitution at nucleotide position 954, causing the isoleucine (I) at amino acid position 318 to be replaced by a methionine (M). This variant was not reported in population-based cohorts in the Genome Aggregation Database (gnomAD). This amino acid position is highly conserved in available vertebrate species. This missense alteration is located in a region that has a low rate of benign missense variation (Lek, 2016; Firth, 2009). The in silico prediction for this alteration is inconclusive. Based on insufficient or conflicting evidence, the clinical significance of this alteration remains unclear.